The following is an entry in ClinVar:

ClinVar aggregate classification (germline): Likely benign (1 of 4 stars; one submission).

gnomAD v4.1: 25 of 1,609,746 alleles (0.0016%); highest among the groups gnomAD compares: Non-Finnish European, 0.002%; no homozygotes.

Submission:

CeGaT Center for Human Genetics Tuebingen
Classification: Likely benign. Last evaluated: 2026-07-01. Review status: criteria provided, single submitter. Criteria: CeGaT Center For Human Genetics Tuebingen Variant Classification Criteria Version 2. Collection method: clinical testing. Allele origin: germline. Affected: yes. Observed: 1 variant allele.
Comment: NDUFS2: BP4, BP7

NM_001377299.1(NDUFS2):c.1197C>T (p.Ala399=)

Gene: NDUFS2 (NADH:ubiquinone oxidoreductase core subunit S2; plus strand). Cytogenetic location: 1q23.3.
Variant type: single nucleotide variant.
Coding change: c.1197C>T on transcript NM_001377299.1 (MANE Select); coding-DNA position 1197, C replaced by T.
Protein change: p.Ala399=; no amino-acid change (alanine 399 retained).
Molecular consequence: synonymous variant. On other transcripts: non-coding transcript variant (1).
Genome position (GRCh38, 1-based): chr1:161,213,460, C>T. VCF-style: chr1-161213460-C-T. GRCh37 (hg19) VCF-style: chr1-161183250-C-T.
Other names: c.1197C>T, p.Ala399= (NM_001166159.2, NM_001377298.1, NM_001377300.1 and 3 more transcripts); c.1119C>T, p.Ala373= (NM_001410889.1).
Identifiers: ClinVar variation 5039981 (VCV005039981.1).